The following is an entry in ClinVar:

NM_007194.4(CHEK2):c.365A>T (p.Glu122Val)

Gene: CHEK2 (checkpoint kinase 2; minus strand). Cytogenetic location: 22q12.1.
Variant type: single nucleotide variant.
Coding change: c.365A>T on transcript NM_007194.4 (MANE Select); coding-DNA position 365, A replaced by T.
Protein change: p.Glu122Val; replaces glutamic acid 122 with valine.
Molecular consequence: missense variant.
Genome position (GRCh38, 1-based): chr22:28,725,322, T>A on the plus strand (A>T on the coding strand, the complement: CHEK2 is on the minus strand). VCF-style: chr22-28725322-T-A. GRCh37 (hg19) VCF-style: chr22-29121310-T-A.
Other names: c.494A>T, p.Glu165Val (NM_001005735.3); c.-413A>T (NM_001257387.3); c.365A>T, p.Glu122Val (NM_001349956.3, NM_145862.3); short protein forms E122V, E165V.
Identifiers: ClinVar variation 1733657 (VCV001733657.2), dbSNP rs2518060264, ClinGen allele CA411108134.

ClinVar aggregate classification (germline): Uncertain significance (1 of 4 stars; one submission).

Conditions:
Hereditary cancer-predisposing syndrome. Also called: Neoplastic Syndromes, Hereditary; Tumor predisposition; Hereditary Cancer Syndrome; Hereditary neoplastic syndrome. Identifiers: Orphanet 140162, MedGen C0027672, MeSH D009386, MONDO:0015356.

Submission:

Ambry Genetics
Classification: Uncertain significance for Hereditary cancer-predisposing syndrome. Last evaluated: 2019-05-02. Review status: criteria provided, single submitter. Criteria: Ambry Variant Classification Scheme 2023. Collection method: clinical testing. Allele origin: germline.
Comment: The p.E122V variant (also known as c.365A>T), located in coding exon 2 of the CHEK2 gene, results from an A to T substitution at nucleotide position 365. The glutamic acid at codon 122 is replaced by valine, an amino acid with dissimilar properties. This amino acid position is poorly conserved in available vertebrate species. In addition, the in silico prediction for this alteration is inconclusive. Since supporting evidence is limited at this time, the clinical significance of this alteration remains unclear.